The following is an entry in ClinVar:

NM_000071.3(CBS):c.572C>T (p.Thr191Met)

Gene: CBS (cystathionine beta-synthase; minus strand). Cytogenetic location: 21q22.3.
Variant type: single nucleotide variant.
Coding change: c.572C>T on transcript NM_000071.3 (MANE Select); coding-DNA position 572, C replaced by T.
Protein change: p.Thr191Met; replaces threonine 191 with methionine.
Molecular consequence: missense variant.
Genome position (GRCh38, 1-based): chr21:43,065,481, G>A on the plus strand (C>T on the coding strand, the complement: CBS is on the minus strand). VCF-style: chr21-43065481-G-A. GRCh37 (hg19) VCF-style: chr21-44485591-G-A.
Other names: p.T191M:ACG>ATG; c.572C>T, p.Thr191Met (NM_001178008.3, NM_001178009.3, NM_001320298.2); c.257C>T, p.Thr86Met (NM_001321072.1); short protein forms T191M, T86M.
Identifiers: ClinVar variation 132 (VCV000000132.50), dbSNP rs121964973, ClinGen allele CA113904.

ClinVar aggregate classification (germline): Pathogenic. Review status: criteria provided, multiple submitters, no conflicts (2 of 4 stars). 16 submissions from 16 submitters: Pathogenic (14). 2 of the submissions do not count toward it. Last evaluated 2026-02-25.

Conditions:
CBS-related disorder. Also called: CBS-related condition.
Homocystinuria. Identifiers: MedGen C0019880, MONDO:0004737, HP:0002156.
Familial thoracic aortic aneurysm and aortic dissection (TAAD). Also called: Thoracic aortic aneurysms and dissections. Identifiers: Orphanet 91387, MedGen C4707243, MONDO:0019625.
Classic homocystinuria. Also called: HOMOCYSTINURIA WITH OR WITHOUT RESPONSE TO PYRIDOXINE; Homocystinuria due to Cystathionine Beta-Synthase Deficiency; Homocystinuria due to CBS deficiency; Cystathionine beta-synthase deficiency; CBS deficiency. Identifiers: Orphanet 394, MedGen C0751202, MONDO:0009352, OMIM 236200.
HYPERHOMOCYSTEINEMIA, THROMBOTIC, CBS-RELATED. Identifiers: MedGen C3150344, OMIM 236200.
Homocystinuria, pyridoxine-nonresponsive. Identifiers: MedGen C4017308.

Allele frequency attached by ClinVar (database versions not stated): gnomAD exomes 0.00006 and 0.00007.

Submissions (16):

PreventionGenetics, part of Exact Sciences
Classification: Pathogenic for CBS-related condition. Last evaluated: 2026-02-25. Review status: criteria provided, single submitter. Criteria: ACMG Guidelines, 2015. Collection method: clinical testing. Allele origin: germline.
Comment: The CBS c.572C>T variant is predicted to result in the amino acid substitution p.Thr191Met. This variant has been reported in individuals with homocystinuria (Kraus et al. 1999. PubMed ID: 10338090; Urreizti et al. 2003. PubMed ID: 12815602; Porto et al. 2005. PubMed ID: 15993874; Bermudez et al. 2006. PubMed ID: 16470595; Urreizti et al. 2006. PubMed ID: 16479318; Alcaide et al. 2014. PubMed ID: 25218699). Functional studies indicate that this amino acid change decreases the native folding of the encoded protein, substantially decreasing enzyme activity (Kozich et al. 2010. PubMed ID: 20506325; Hnízda et al. 2011. PubMed ID: 22069143; Alcaide et al. 2014. PubMed ID: 25218699). The p.Thr191Met substitution is considered a pyridoxine non-responsive mutation (Alcaide et al. 2014. PubMed ID: 25218699). This variant has been classified as pathogenic by multiple independent submitters to the ClinVar database (Variation ID: 132). Given the evidence, we interpret this variant as pathogenic.

Labcorp Genetics (formerly Invitae), Labcorp
Classification: Pathogenic for HYPERHOMOCYSTEINEMIA, THROMBOTIC, CBS-RELATED. Last evaluated: 2026-01-19. Review status: criteria provided, single submitter. Criteria: Invitae Variant Classification Sherloc (09022015). Collection method: clinical testing. Allele origin: germline.
Comment: This sequence change replaces threonine, which is neutral and polar, with methionine, which is neutral and non-polar, at codon 191 of the CBS protein (p.Thr191Met). This variant is present in population databases (rs121964973, gnomAD 0.04%). This missense change has been observed in individual(s) with homocystinuria (PMID: 12815602, 15993874, 16470595, 16479318, 25218699). ClinVar contains an entry for this variant (Variation ID: 132). Invitae Evidence Modeling of protein sequence and biophysical properties (such as structural, functional, and spatial information, amino acid conservation, physicochemical variation, residue mobility, and thermodynamic stability) indicates that this missense variant is expected to disrupt CBS protein function with a positive predictive value of 95%. Experimental studies have shown that this missense change affects CBS function (PMID: 10338090, 16429402, 22069143, 22267502). For these reasons, this variant has been classified as Pathogenic.

Dasa
Classification: Pathogenic. Last evaluated: 2026-01-08. Review status: criteria provided, single submitter. Criteria: DASA Assertion Criteria. Collection method: clinical testing. Allele origin: germline.
Comment: NM_000071.3(CBS):c.572C>T (p.Thr191Met) is a missense variant that results in the substitution of threonine with methionine. This variant has been recurrently observed in affected individuals with related phenotype in a genotype context consistent with recessive disease (PMID: 12815602; PMID: 15993874; PMID: 16479318; PMID: 39041895). Functional evidence supports a deleterious effect on the gene or gene product (PMID: 12815602; PMID: 15993874; PMID: 16479318; PMID: 39041895). Multiple computational predictions support a deleterious effect on the gene or gene product. The variant is present at low frequency in population datasets. Based on the available data, this variant is classified as pathogenic.

Natera, Inc.
Classification: Pathogenic for Homocystinuria due to cystathionine beta-synthase deficiency. Last evaluated: 2025-12-19. Review status: criteria provided, single submitter. Criteria: Natera Variant Classification Schema (03/2026). Collection method: clinical testing. Allele origin: germline.
Comment: The c.572C>T variant in CBS is a missense variant predicted to cause substitution of threonine to methionine at amino acid 191. The frequency of this variant in the general population is greater than expected for disorder. This variant has been observed in one or more individuals affected with the associated recessive disease, as either homozygous or compound heterozygous with a second variant (PMID: 16479318). Computational prediction algorithms indicate this variant is likely to affect gene or protein function. Given the available evidence, this variant is classified as Pathogenic.

CeGaT Center for Human Genetics Tuebingen
Classification: Pathogenic. Last evaluated: 2024-08-01. Review status: criteria provided, single submitter. Criteria: CeGaT Center For Human Genetics Tuebingen Variant Classification Criteria Version 2. Collection method: clinical testing. Allele origin: germline. Affected: yes. Observed: 1 variant allele.
Comment: CBS: PP1:Strong, PM2, PM3, PS3:Moderate, PP3

Ambry Genetics
Classification: Pathogenic for Familial thoracic aortic aneurysm and aortic dissection. Last evaluated: 2024-04-04. Review status: criteria provided, single submitter. Criteria: Ambry Variant Classification Scheme 2023. Collection method: clinical testing. Allele origin: germline.
Comment: The p.T191M pathogenic mutation (also known as c.572C>T), located in coding exon 5 of the CBS gene, results from a C to T substitution at nucleotide position 572. The threonine at codon 191 is replaced by methionine, an amino acid with similar properties. This alteration has been reported in the homozygous state, or in conjunction with another CBS variant, in multiple individuals with CBS-related homocystinuria (Urreizti R et al. Hum Mutat, 2003 Jul;22:103; Berm&uacute;dez M et al. Hum Mutat, 2006 Mar;27:296; Cozar M et al. Hum Mutat, 2011 Jul;32:835-42; Oliveira Santos M et al. BMJ Case Rep, 2016 Sep;2016:[ePub ahead of print]; Mart&iacute;n-Rivada &Aacute; et al. JIMD Rep, 2022 Mar;63:146-161). Functional assays showed reduction in enzyme activity (Mayfield JA et al. Genetics, 2012 Apr;190:1309-23). In addition, this alteration is predicted to be deleterious by in silico analysis. Based on the supporting evidence, this alteration is interpreted as a disease-causing mutation.

Baylor Genetics
Classification: Pathogenic for Classic homocystinuria. Last evaluated: 2024-03-23. Review status: criteria provided, single submitter. Criteria: ACMG Guidelines, 2015. Collection method: clinical testing. Allele origin: unknown.

Revvity Omics, Revvity
Classification: Pathogenic for Classic homocystinuria. Last evaluated: 2024-01-30. Review status: criteria provided, single submitter. Criteria: ACMG Guidelines, 2015. Collection method: clinical testing. Allele origin: germline.

3billion
Classification: Pathogenic for Classic homocystinuria. Last evaluated: 2023-09-04. Review status: criteria provided, single submitter. Criteria: ACMG Guidelines, 2015. Collection method: clinical testing. Allele origin: germline. Affected: yes.
Comment: The variant is observed at an extremely low frequency in the gnomAD v2.1.1 dataset (total allele frequency: 0.006%). Predicted Consequence/Location: Missense variant Functional studies provide strong evidence of the variant having a damaging effect on the gene or gene product (PMID: 16429402, 22069143). In silico tool predictions suggest damaging effect of the variant on gene or gene product [REVEL: 0.96 (>=0.6, sensitivity 0.68 and specificity 0.92); 3Cnet: 0.89 (>=0.6, sensitivity 0.72 and precision 0.9)]. Same nucleotide change resulting in same amino acid change has been previously reported as pathogenic/likely pathogenic with strong evidence (ClinVar ID: VCV000000132 /PMID: 10338090).A different missense change at the same codon (p.Thr191Lys) has been reported to be associated with CBS related disorder (ClinVar ID: VCV000431934). Therefore, this variant is classified as Pathogenic according to the recommendation of ACMG/AMP guideline.

GeneDx
Classification: Pathogenic. Last evaluated: 2022-10-06. Review status: criteria provided, single submitter. Criteria: GeneDx Variant Classification Process June 2021. Collection method: clinical testing. Allele origin: germline. Affected: yes.
Comment: Published functional studies demonstrate a damaging effect on protein activity and ability to form functional aggregates (Kraus JP et al., 1999; Mayfield JA et al., 2012; Hnzda A et al., 2012); In silico analysis supports that this missense variant has a deleterious effect on protein structure/function; This variant is associated with the following publications: (PMID: 16429402, 15993874, 1281560, 29352562, 33335839, 26667307, 10338090, 20506325, 22267502, 27681349, 31589614, 16479318, 22069143, 16470595)

Fulgent Genetics
Classification: Pathogenic for Classic homocystinuria. Last evaluated: 2021-09-09. Review status: criteria provided, single submitter. Criteria: ACMG Guidelines, 2015. Collection method: clinical testing. Allele origin: unknown.

Laboratorio de Genetica e Diagnostico Molecular, Hospital Israelita Albert Einstein
Classification: Pathogenic for Classic homocystinuria. Last evaluated: 2021-09-02. Review status: criteria provided, single submitter. Criteria: ACMG Guidelines, 2015. Collection method: clinical testing. Allele origin: germline. Affected: yes.
Comment: ACMG classification criteria: PS3 supporting, PS4 strong, PM2 moderate, PM3 very strong, PP3 supporting

Blueprint Genetics
Classification: Pathogenic for CBS-related disorders. Last evaluated: 2021-06-10. Review status: criteria provided, single submitter. Criteria: ACMG Guidelines, 2015. Collection method: clinical testing. Allele origin: germline. Affected: yes. Observed: 2 variant alleles.

Women's Health and Genetics/Laboratory Corporation of America, LabCorp
Classification: Pathogenic for Homocystinuria. Last evaluated: 2017-06-05. Review status: criteria provided, single submitter. Criteria: LabCorp Variant Classification Summary - May 2015. Collection method: clinical testing. Allele origin: germline.
Comment: Variant summary: The CBS c.572C>T (p.Thr191Met) variant involves the alteration of a conserved nucleotide, is located in dimer interface of the active core of the protein (Hnizda_2012) and is predicted to be damaging by 5/5 in silico tools. Multiple functional studies show that this variant causes severe impairment in protein structure and/or function (Kraus_1999, Kraus_2012, Mayfield_2012). This variant is absent in 117282 control chromosomes from ExAC. This variant is a known common pathogenic variant that causes homocystinuria. It is highly prevalent in homocystinuric patients from Spain, Portugal and South America. Genotype-phenotype correlation study show this variant leads to non-responsiveness to vitamin B6. One clinical laboratory and one reputable database (via ClinVar) have have classified this variant as pathogenic. Taken together, this variant is classified as pathogenic.

OMIM
Classification: Pathogenic for HOMOCYSTINURIA, PYRIDOXINE-NONRESPONSIVE. Last evaluated: 2025-01-07. Review status: no assertion criteria provided. Collection method: literature only. Allele origin: germline. Not counted in ClinVar's aggregate classification.

Counsyl
Classification: Pathogenic for Classic homocystinuria. Last evaluated: 2015-10-27. Review status: no assertion criteria provided. Collection method: clinical testing. Allele origin: unknown. Not counted in ClinVar's aggregate classification.

Literature cited by the submitters: PubMed 12815602 (cited by 4 submitters); PubMed 15993874 (cited by Labcorp Genetics (formerly Invitae), Labcorp and Dasa); PubMed 16470595 (cited by 3 submitters); PubMed 16479318 (cited by 3 submitters); PubMed 25218699 (cited by Labcorp Genetics (formerly Invitae), Labcorp); PubMed 10338090 (cited by 4 submitters); PubMed 16429402 (cited by 3 submitters); PubMed 22069143 (cited by 3 submitters); PubMed 22267502 (cited by 4 submitters); PubMed 39041895 (cited by Dasa); PubMed 21520339 (cited by Ambry Genetics); PubMed 27681349 (cited by Ambry Genetics); PubMed 35281663 (cited by Ambry Genetics); Urreizti, R., Asteggiano, C., Bermudez, M., Cordoba, A., Szlago, M., Grosso, C., de Kremer, R. D., Vilarinho, L., D'Almeida, V., Martinez-Pardo, M., Pena-Quintana, L., Dalmau, J., Bernal, J., Briceno, I., Couce, M. L., Rodes, M., Vilaseca, M. A., Balcells, S., Grinberg, D. The p.T191M mutation of the CBS gene is highly prevalent among homocystinuric patients from Spain, Portugal and South America. J. Hum. Genet. 51: 305-313, 2006. Note: Erratum: J. Hum. Genet. 52: 388-389, 2007. (cited by OMIM); PubMed 20506325 (cited by Counsyl).